The following is an entry in ClinVar:

ClinVar aggregate classification (germline): Pathogenic/Likely pathogenic. Review status: criteria provided, multiple submitters, no conflicts (2 of 4 stars). 4 submissions from 4 submitters: Pathogenic (3); Likely pathogenic (1). Last evaluated 2025-02-16.

Conditions:
Intellectual developmental disorder, autosomal dominant 6, with or without seizures. Also called: GRIN2B-related developmental delay, intellectual disability and autism spectrum disorder; Intellectual disability, autosomal dominant 6. Identifiers: Orphanet 589547, MedGen C3151411, MONDO:0013509, OMIM 613970.
Developmental and epileptic encephalopathy, 27 (DEE27). Also called: GRIN2B-Related Neurodevelopmental Disorder; Epileptic encephalopathy, early infantile, 27. Identifiers: Orphanet 3451, MedGen C4015316, MONDO:0014505, OMIM 616139.

Allele frequency attached by ClinVar (database versions not stated): TOPMed below 0.00001; gnomAD 0.00001.
gnomAD v4.1: 2 of 1,613,390 alleles (0.00012%); highest among the groups gnomAD compares: Non-Finnish European, 0.000085%; no homozygotes.

Submissions (4):

Laboratory of Genetics, Children's Clinical University Hospital Latvia
Classification: Pathogenic. Last evaluated: 2025-02-16. Review status: criteria provided, single submitter. Criteria: ACMG Guidelines, 2015. Collection method: clinical testing. Allele origin: germline. Affected: yes.

GeneDx
Classification: Pathogenic. Last evaluated: 2024-12-21. Review status: criteria provided, single submitter. Criteria: GeneDx Variant Classification Process June 2021. Collection method: clinical testing. Allele origin: germline. Affected: yes.
Comment: Published functional studies demonstrate a moderate gain of function effect on NMDA receptor activity (PMID: 37369021); Not observed at significant frequency in large population cohorts (gnomAD); In silico analysis supports that this missense variant has a deleterious effect on protein structure/function; This variant is associated with the following publications: (PMID: 37543906, 30315573, 27839871, 37369021)

Labcorp Genetics (formerly Invitae), Labcorp
Classification: Pathogenic for Developmental and epileptic encephalopathy, 27; Intellectual developmental disorder, autosomal dominant 6, with or without seizures. Last evaluated: 2022-08-05. Review status: criteria provided, single submitter. Criteria: Invitae Variant Classification Sherloc (09022015). Collection method: clinical testing. Allele origin: germline.
Comment: This sequence change replaces arginine, which is basic and polar, with histidine, which is basic and polar, at codon 682 of the GRIN2B protein (p.Arg682His). For these reasons, this variant has been classified as Pathogenic. Advanced modeling of protein sequence and biophysical properties (such as structural, functional, and spatial information, amino acid conservation, physicochemical variation, residue mobility, and thermodynamic stability) performed at Invitae indicates that this missense variant is expected to disrupt GRIN2B protein function. ClinVar contains an entry for this variant (Variation ID: 268209). This missense change has been observed in individual(s) with GRIN2B-related conditions (PMID: 30315573). In at least one individual the variant was observed to be de novo. This variant is not present in population databases (gnomAD no frequency).

HudsonAlpha Institute for Biotechnology
Classification: Likely pathogenic for Intellectual developmental disorder, autosomal dominant 6, with or without seizures. Last evaluated: 2016-11-10. Review status: criteria provided, single submitter. Criteria: HA_assertions_20161101. Collection method: research. Allele origin: unknown. Affected: yes. Observed: 1 variant allele. Study: CSER-HudsonAlpha.

Literature cited by the submitters: PubMed 30315573 (cited by Labcorp Genetics (formerly Invitae), Labcorp).

NM_000834.5(GRIN2B):c.2045G>A (p.Arg682His)

Gene: GRIN2B (glutamate ionotropic receptor NMDA type subunit 2B; minus strand). Cytogenetic location: 12p13.1.
Variant type: single nucleotide variant.
Coding change: c.2045G>A on transcript NM_000834.5 (MANE Select); coding-DNA position 2045, G replaced by A.
Protein change: p.Arg682His; replaces arginine 682 with histidine.
Molecular consequence: missense variant.
Genome position (GRCh38, 1-based): chr12:13,571,930, C>T on the plus strand (G>A on the coding strand, the complement: GRIN2B is on the minus strand). VCF-style: chr12-13571930-C-T. GRCh37 (hg19) VCF-style: chr12-13724864-C-T.
Other names: c.2045G>A (NM_000834.3); short protein forms R682H.
Identifiers: ClinVar variation 268209 (VCV000268209.9), dbSNP rs886041095, ClinGen allele CA10602700.